The following is an entry in ClinVar:

NM_001035.3(RYR2):c.3215C>G (p.Ala1072Gly)

Gene: RYR2 (ryanodine receptor 2; plus strand). Cytogenetic location: 1q43.
Variant type: single nucleotide variant.
Coding change: c.3215C>G on transcript NM_001035.3 (MANE Select); coding-DNA position 3215, C replaced by G.
Protein change: p.Ala1072Gly; replaces alanine 1072 with glycine.
Molecular consequence: missense variant.
Genome position (GRCh38, 1-based): chr1:237,566,567, C>G. VCF-style: chr1-237566567-C-G. GRCh37 (hg19) VCF-style: chr1-237729867-C-G.
Other names: c.3215C>G, p.Ala1072Gly (LRG_402t1); short protein forms A1072G.
Identifiers: ClinVar variation 532331 (VCV000532331.10), dbSNP rs1321772491, ClinGen allele CA345397796.

ClinVar aggregate classification (germline): Uncertain significance (1 of 4 stars; one submission).

Conditions:
Catecholaminergic polymorphic ventricular tachycardia 1. Also called: VENTRICULAR TACHYCARDIA, CATECHOLAMINERGIC POLYMORPHIC, 1, WITH OR WITHOUT ATRIAL DYSFUNCTION AND/OR DILATED CARDIOMYOPATHY; RYR2-Related Catecholaminergic Polymorphic Ventricular Tachycardia; VENTRICULAR TACHYCARDIA, STRESS-INDUCED POLYMORPHIC 1. Identifiers: Orphanet 3286, MedGen C1631597, MONDO:0011484, OMIM 604772.

gnomAD v4.1: 2 of 1,612,206 alleles (0.00012%); highest among the groups gnomAD compares: East Asian, 0.0045%; no homozygotes.

Submission:

Labcorp Genetics (formerly Invitae), Labcorp
Classification: Uncertain significance for Catecholaminergic polymorphic ventricular tachycardia 1. Last evaluated: 2020-12-23. Review status: criteria provided, single submitter. Criteria: Invitae Variant Classification Sherloc (09022015). Collection method: clinical testing. Allele origin: germline.
Comment: This sequence change replaces alanine with glycine at codon 1072 of the RYR2 protein (p.Ala1072Gly). The alanine residue is highly conserved and there is a small physicochemical difference between alanine and glycine. This variant is not present in population databases (ExAC no frequency). This variant has been observed in individual(s) with RYR2-related conditions (Invitae). ClinVar contains an entry for this variant (Variation ID: 532331). Algorithms developed to predict the effect of missense changes on protein structure and function are either unavailable or do not agree on the potential impact of this missense change (SIFT: "Deleterious"; PolyPhen-2: "Benign"; Align-GVGD: "Class C55"). In summary, the available evidence is currently insufficient to determine the role of this variant in disease. Therefore, it has been classified as a Variant of Uncertain Significance.